The following is an entry in ClinVar:

NM_001211.6(BUB1B):c.479A>C (p.Glu160Ala)

Gene: BUB1B (BUB1 mitotic checkpoint serine/threonine kinase B; plus strand). Cytogenetic location: 15q15.1.
Variant type: single nucleotide variant.
Coding change: c.479A>C on transcript NM_001211.6 (MANE Select); coding-DNA position 479, A replaced by C.
Protein change: p.Glu160Ala; replaces glutamic acid 160 with alanine.
Molecular consequence: missense variant.
Genome position (GRCh38, 1-based): chr15:40,176,571, A>C. VCF-style: chr15-40176571-A-C. GRCh37 (hg19) VCF-style: chr15-40468772-A-C.
Other names: short protein forms E160A.
Identifiers: ClinVar variation 4739324 (VCV004739324.1).

ClinVar aggregate classification (germline): Uncertain significance (1 of 4 stars; one submission).

Conditions:
Mosaic variegated aneuploidy syndrome 1 (MVA1). Also called: Warburton-Anyane-Yeboa syndrome. Identifiers: Orphanet 1052, MedGen C1850343, MONDO:0009759, OMIM 257300.

Submission:

Labcorp Genetics (formerly Invitae), Labcorp
Classification: Uncertain significance for Mosaic variegated aneuploidy syndrome 1. Last evaluated: 2026-01-12. Review status: criteria provided, single submitter. Criteria: Invitae Variant Classification Sherloc (09022015). Collection method: clinical testing. Allele origin: germline.
Comment: This sequence change replaces glutamic acid, which is acidic and polar, with alanine, which is neutral and non-polar, at codon 160 of the BUB1B protein (p.Glu160Ala). This variant is not present in population databases (gnomAD no frequency). This variant has not been reported in the literature in individuals affected with BUB1B-related conditions. An algorithm developed to predict the effect of missense changes on protein structure and function (PolyPhen-2) suggests that this variant is likely to be disruptive. In summary, the available evidence is currently insufficient to determine the role of this variant in disease. Therefore, it has been classified as a Variant of Uncertain Significance.